The following is an entry in ClinVar:

NM_001001557.4(GDF6):c.223C>T (p.Pro75Ser)

Gene: GDF6 (growth differentiation factor 6; minus strand). Cytogenetic location: 8q22.1.
Variant type: single nucleotide variant.
Coding change: c.223C>T on transcript NM_001001557.4 (MANE Select); coding-DNA position 223, C replaced by T.
Protein change: p.Pro75Ser; replaces proline 75 with serine.
Molecular consequence: missense variant.
Genome position (GRCh38, 1-based): chr8:96,160,470, G>A on the plus strand (C>T on the coding strand, the complement: GDF6 is on the minus strand). VCF-style: chr8-96160470-G-A. GRCh37 (hg19) VCF-style: chr8-97172698-G-A.
Other names: short protein forms P75S.
Identifiers: ClinVar variation 851090 (VCV000851090.10), dbSNP rs1040541530, ClinGen allele CA181488574.

ClinVar aggregate classification (germline): Uncertain significance. Review status: criteria provided, multiple submitters, no conflicts (2 of 4 stars). 2 submissions from 2 submitters: Uncertain significance (2). Last evaluated 2025-12-18.

Conditions:
Inborn genetic diseases. Identifiers: MedGen C0950123, MeSH D030342.
Klippel-Feil syndrome 1, autosomal dominant (KFS1). Also called: CERVICAL VERTEBRAL FUSION, AUTOSOMAL DOMINANT. Identifiers: Orphanet 2345, MedGen C1861689, MONDO:0007306, OMIM 118100.
Isolated microphthalmia 4. Identifiers: Orphanet 2542, MedGen C2751307, MONDO:0013130, OMIM 613094.
Microphthalmia, isolated, with coloboma 6 (MCOPCB6). Also called: MICROPHTHALMIA/COLOBOMA 6; Microphthalmia with coloboma 6, digenic; Microphthalmia with coloboma 6. Identifiers: Orphanet 98938, MedGen C3150968, MONDO:0013376, OMIM 613703.
Leber congenital amaurosis 17 (LCA17). Identifiers: Orphanet 65, MedGen C3715164, MONDO:0014145, OMIM 615360.

Allele frequency attached by ClinVar (database versions not stated): TOPMed 0.00002; gnomAD exomes below 0.00001; gnomAD 0.00001.
gnomAD v4.1: 6 of 1,613,006 alleles (0.00037%); highest among the groups gnomAD compares: African/African-American, 0.004%; no homozygotes.

Submissions (2):

Labcorp Genetics (formerly Invitae), Labcorp
Classification: Uncertain significance for Isolated microphthalmia 4; Leber congenital amaurosis 17; Klippel-Feil syndrome 1, autosomal dominant; Microphthalmia, isolated, with coloboma 6. Last evaluated: 2025-12-18. Review status: criteria provided, single submitter. Criteria: Invitae Variant Classification Sherloc (09022015). Collection method: clinical testing. Allele origin: germline.
Comment: This sequence change replaces proline, which is neutral and non-polar, with serine, which is neutral and polar, at codon 75 of the GDF6 protein (p.Pro75Ser). This variant is not present in population databases (gnomAD no frequency). This variant has not been reported in the literature in individuals affected with GDF6-related conditions. ClinVar contains an entry for this variant (Variation ID: 851090). An algorithm developed to predict the effect of missense changes on protein structure and function outputs the following: PolyPhen-2: "Benign". The serine amino acid residue is found in multiple mammalian species, which suggests that this missense change does not adversely affect protein function. In summary, the available evidence is currently insufficient to determine the role of this variant in disease. Therefore, it has been classified as a Variant of Uncertain Significance.

Ambry Genetics
Classification: Uncertain significance for Inborn genetic diseases. Last evaluated: 2023-11-03. Review status: criteria provided, single submitter. Criteria: Ambry Variant Classification Scheme 2023. Collection method: clinical testing. Allele origin: germline.